The following is an entry in ClinVar:

ClinVar aggregate classification (germline): Likely pathogenic. Review status: reviewed by expert panel (3 of 4 stars). 5 submissions from 5 submitters: Likely pathogenic (1). 4 of the submissions do not count toward it. Last evaluated 2022-12-14.

Conditions:
Very long chain acyl-CoA dehydrogenase deficiency (ACADVLD). Also called: VLCAD Deficiency; Very Long-Chain Acyl-Coenzyme A Dehydrogenase Deficiency. Identifiers: Orphanet 26793, MedGen C3887523, MONDO:0008723, OMIM 201475.

Allele frequency attached by ClinVar (database versions not stated): gnomAD exomes below 0.00001.
gnomAD v4.1: 1 of 1,613,784 alleles (0.000062%); highest among the groups gnomAD compares: Non-Finnish European, 0.000085%; no homozygotes.

Submissions (5):

ClinGen ACADVL Variant Curation Expert Panel, ClinGen
Classification: Likely pathogenic for Very long chain acyl-CoA dehydrogenase deficiency. Last evaluated: 2022-12-14. Review status: reviewed by expert panel. Criteria: clingen acadvl acmg specifications v1. Collection method: curation. Allele origin: germline. Inheritance: Autosomal recessive inheritance.
Comment: The c.1532+1G>A variant in ACADVL occurs within the canonical splice donor/acceptor site (+/- 1,2) of intron 15. It is predicted to cause skipping of biologically-relevant-exon 15/20, resulting in a frameshift leading to nonsense mediated decay in a gene in which loss-of-function is an established disease mechanism (PVS1; PMIDs 9973285, 11590124). The highest population minor allele frequency in gnomAD v2.1 is 0.000008801 in the European non-Finnish population, which is lower than the ClinGen ACADVL Variant Curation Expert Panel threshold (<0.001) for PM2_Supporting, meeting this criterion (PM2_Supporting). In summary, this variant meets the criteria to be classified as likely pathogenic for autosomal recessive very long chain acyl-CoA dehydrogenase (VLCAD) deficiency based on the ACMG/AMP criteria applied, as specified by the ClinGen ACADVL Variant Curation Expert Panel: PVS1, PM2_Supporting. (ACADVL VCEP specifications version 1; approved November 8, 2021)

Labcorp Genetics (formerly Invitae), Labcorp
Classification: Likely pathogenic for Very long chain acyl-CoA dehydrogenase deficiency. Last evaluated: 2024-12-28. Review status: criteria provided, single submitter. Criteria: Invitae Variant Classification Sherloc (09022015). Collection method: clinical testing. Allele origin: germline. Not counted in ClinVar's aggregate classification.
Comment: This sequence change affects a donor splice site in intron 15 of the ACADVL gene. It is expected to disrupt RNA splicing. Variants that disrupt the donor or acceptor splice site typically lead to a loss of protein function (PMID: 16199547), and loss-of-function variants in ACADVL are known to be pathogenic (PMID: 9973285, 11590124). This variant is present in population databases (rs727503794, gnomAD 0.0009%). This variant has not been reported in the literature in individuals affected with ACADVL-related conditions. ClinVar contains an entry for this variant (Variation ID: 166646). Algorithms developed to predict the effect of sequence changes on RNA splicing suggest that this variant may disrupt the consensus splice site. In summary, the currently available evidence indicates that the variant is pathogenic, but additional data are needed to prove that conclusively. Therefore, this variant has been classified as Likely Pathogenic.

Fulgent Genetics
Classification: Likely pathogenic for Very long chain acyl-CoA dehydrogenase deficiency. Last evaluated: 2024-05-07. Review status: criteria provided, single submitter. Criteria: ACMG Guidelines, 2015. Collection method: clinical testing. Allele origin: germline. Not counted in ClinVar's aggregate classification.

ARUP Laboratories, Molecular Genetics and Genomics, ARUP Laboratories
Classification: Likely pathogenic for Very long chain acyl-CoA dehydrogenase deficiency. Last evaluated: 2023-08-22. Review status: criteria provided, single submitter. Criteria: ARUP Molecular Germline Variant Investigation Process 2024. Collection method: clinical testing. Allele origin: germline. Not counted in ClinVar's aggregate classification.
Comment: The ACADVL c.1532+1G>A variant (rs727503794), to our knowledge, is not reported in the medical literature but is reported in ClinVar (Variation ID: 166646). This variant is only observed on one allele in the Genome Aggregation Database, indicating it is not a common polymorphism. This variant disrupts the canonical splice donor site of intron 15, which is likely to negatively impact gene function. Based on available information, this variant is considered to be likely pathogenic.

Eurofins Ntd Llc (ga)
Classification: Pathogenic. Last evaluated: 2014-04-14. Review status: criteria provided, single submitter. Criteria: EGL Classification Definitions 2015. Collection method: clinical testing. Allele origin: germline. Observed: 1 variant allele, 1 heterozygote. Not counted in ClinVar's aggregate classification.

Literature cited by the submitters: PubMed 16199547 (cited by Labcorp Genetics (formerly Invitae), Labcorp); PubMed 9973285 (cited by Labcorp Genetics (formerly Invitae), Labcorp); PubMed 11590124 (cited by Labcorp Genetics (formerly Invitae), Labcorp).

NM_000018.4(ACADVL):c.1532+1G>A

Gene: ACADVL (acyl-CoA dehydrogenase very long chain; plus strand). Cytogenetic location: 17p13.1.
Variant type: single nucleotide variant.
Coding change: c.1532+1G>A on transcript NM_000018.4 (MANE Select); the canonical splice donor site of the intron after coding-DNA position 1532, G replaced by A.
Molecular consequence: splice donor variant.
Genome position (GRCh38, 1-based): chr17:7,224,244, G>A. VCF-style: chr17-7224244-G-A. GRCh37 (hg19) VCF-style: chr17-7127563-G-A.
Other names: c.1601+1G>A (NM_001270447.2); c.1304+1G>A (NM_001270448.2); c.1466+1G>A (NM_001033859.3).
Identifiers: ClinVar variation 166646 (VCV000166646.10), dbSNP rs727503794, ClinGen allele CA273297.